The following is an entry in ClinVar:

ClinVar aggregate classification (germline): Pathogenic. Review status: reviewed by expert panel (3 of 4 stars). 9 submissions from 9 submitters: Pathogenic (1). 8 of the submissions do not count toward it. Last evaluated 2023-08-04.

Conditions:
Hereditary cancer-predisposing syndrome. Also called: Hereditary neoplastic syndrome; Neoplastic Syndromes, Hereditary; Hereditary Cancer Syndrome; Tumor predisposition. Identifiers: Orphanet 140162, MedGen C0027672, MeSH D009386, MONDO:0015356.
Familial cancer of breast. Also called: BREAST CANCER, FAMILIAL; Hereditary breast cancer; hereditary breast carcinoma. Identifiers: Orphanet 227535, MedGen C0346153, MONDO:0016419, OMIM 114480. Disease mechanism: loss of function.
CDH1-related disorder. Also called: CDH1-related condition.
CDH1-related diffuse gastric and lobular breast cancer syndrome. Also called: CDH1-related diffuse gastric and lobular breast cancer. Identifiers: MedGen CN311521, MONDO:0100488.
Hereditary diffuse gastric adenocarcinoma (HDGC). Also called: DIFFUSE GASTRIC AND LOBULAR BREAST CANCER SYNDROME. Identifiers: Orphanet 26106, MedGen C1708349, MONDO:0007648, OMIM 137215.

Submissions (9):

Clingen Gastric Cancer Variant Curation Expert Panel
Classification: Pathogenic for CDH1-related diffuse gastric and lobular breast cancer syndrome. Last evaluated: 2023-08-04. Review status: reviewed by expert panel. Criteria: ClinGen CDH1 ACMG Specifications V3.1. Collection method: curation. Allele origin: germline. Inheritance: Autosomal dominant inheritance.
Comment: The c.1942G>T p.(Glu648Ter) variant is predicted to result in a premature stop codon that leads to nonsense mediate decay (PVS1 and PM5_supporting). The variant is absent in the gnomAD cohort (PM2_supporting). Therefore, this variant meets criteria to be classified as pathogenic based on the ACMG/AMP criteria applied as specified by the CDH1 Variant Curation Expert Panel (CDH1 VCEP specifications version 3.1): PVS1, PM2_supporting, PM5_supporting.

Labcorp Genetics (formerly Invitae), Labcorp
Classification: Pathogenic for Hereditary diffuse gastric adenocarcinoma. Last evaluated: 2025-12-10. Review status: criteria provided, single submitter. Criteria: Invitae Variant Classification Sherloc (09022015). Collection method: clinical testing. Allele origin: germline. Not counted in ClinVar's aggregate classification.
Comment: This sequence change creates a premature translational stop signal (p.Glu648*) in the CDH1 gene. It is expected to result in an absent or disrupted protein product. Loss-of-function variants in CDH1 are known to be pathogenic (PMID: 15235021, 20373070). This variant is not present in population databases (gnomAD no frequency). This premature translational stop signal has been observed in individual(s) with lobular breast cancer (PMID: 24366306). ClinVar contains an entry for this variant (Variation ID: 463735). Studies have shown that this premature translational stop signal is associated with inconclusive levels of altered splicing (internal data). For these reasons, this variant has been classified as Pathogenic.

Clinical Genetics Laboratory, Skane University Hospital Lund
Classification: Pathogenic for Familial cancer of breast. Last evaluated: 2025-09-02. Review status: criteria provided, single submitter. Criteria: ACMG Guidelines, 2015. Collection method: clinical testing. Allele origin: germline. Inheritance: Autosomal dominant inheritance. Affected: yes. Not counted in ClinVar's aggregate classification.
Comment: ACMG criteria: PVS1, PM2_sup and PM5_sup

Ambry Genetics
Classification: Pathogenic for Hereditary cancer-predisposing syndrome. Last evaluated: 2024-11-22. Review status: criteria provided, single submitter. Criteria: Ambry Variant Classification Scheme 2023. Collection method: clinical testing. Allele origin: germline. Not counted in ClinVar's aggregate classification.
Comment: The p.E648* pathogenic mutation (also known as c.1942G>T), located in coding exon 13 of the CDH1 gene, results from a G to T substitution at nucleotide position 1942. This changes the amino acid from a glutamic acid to a stop codon within coding exon 13. This variant is considered to be rare based on population cohorts in the Genome Aggregation Database (gnomAD). This alteration is expected to result in loss of function by premature protein truncation or nonsense-mediated mRNA decay. As such, this alteration is interpreted as a disease-causing mutation.

Myriad Genetics, Inc.
Classification: Pathogenic for Hereditary diffuse gastric adenocarcinoma. Last evaluated: 2023-03-03. Review status: criteria provided, single submitter. Criteria: Myriad Autosomal Dominant, Autosomal Recessive and X-Linked Classification Criteria (2023). Collection method: clinical testing. Allele origin: unknown. Not counted in ClinVar's aggregate classification.
Comment: This variant is considered pathogenic. This variant creates a termination codon and is predicted to result in premature protein truncation.

Institute of Medical Genetics and Applied Genomics, University Hospital Tübingen
Classification: Pathogenic. Last evaluated: 2020-10-23. Review status: criteria provided, single submitter. Criteria: ACMG Guidelines, 2015. Collection method: clinical testing. Allele origin: germline. Inheritance: Unknown mechanism. Affected: yes. Not counted in ClinVar's aggregate classification.

GeneDx
Classification: Pathogenic. Last evaluated: 2019-06-11. Review status: criteria provided, single submitter. Criteria: GeneDx Variant Classification Process June 2021. Collection method: clinical testing. Allele origin: germline. Affected: yes. Not counted in ClinVar's aggregate classification.
Comment: Nonsense variant predicted to result in protein truncation or nonsense mediated decay in a gene for which loss-of-function is a known mechanism of disease; Not observed in large population cohorts (Lek et al., 2016); This variant is associated with the following publications: (PMID: 31263054, 26182300, 26759166, 22810696, 24366306)

Blueprint Genetics
Classification: Likely pathogenic for CDH1-related disorders. Last evaluated: 2018-03-22. Review status: criteria provided, single submitter. Criteria: ACMG Guidelines, 2015. Collection method: clinical testing. Allele origin: germline. Affected: yes. Observed: 3 variant alleles. Not counted in ClinVar's aggregate classification.

Counsyl
Classification: Likely pathogenic for Hereditary diffuse gastric adenocarcinoma. Last evaluated: 2017-07-24. Review status: no assertion criteria provided. Collection method: clinical testing. Allele origin: unknown. Not counted in ClinVar's aggregate classification.

Literature cited by the submitters: PubMed 15235021 (cited by Labcorp Genetics (formerly Invitae), Labcorp); PubMed 20373070 (cited by Labcorp Genetics (formerly Invitae), Labcorp); PubMed 24366306 (cited by 3 submitters).

NM_004360.5(CDH1):c.1942G>T (p.Glu648Ter)

Gene: CDH1 (cadherin 1; plus strand). Cytogenetic location: 16q22.1.
Variant type: single nucleotide variant.
Coding change: c.1942G>T on transcript NM_004360.5 (MANE Select); coding-DNA position 1942, G replaced by T.
Protein change: p.Glu648Ter; replaces glutamic acid 648 with a stop codon.
Molecular consequence: nonsense. On other transcripts: 5 prime UTR variant (1).
Genome position (GRCh38, 1-based): chr16:68,823,404, G>T. VCF-style: chr16-68823404-G-T. GRCh37 (hg19) VCF-style: chr16-68857307-G-T.
Other names: c.1942G>T (LRG_301t1); c.1759G>T, p.Glu587Ter (NM_001317184.2); c.394G>T, p.Glu132Ter (NM_001317185.2); c.-24G>T (NM_001317186.2); short protein forms E648*, E132*, E587*.
Identifiers: ClinVar variation 463735 (VCV000463735.24), dbSNP rs971882211, ClinGen allele CA396467508.